The following is an entry in ClinVar:

ClinVar aggregate classification (germline): Benign/Likely benign. Review status: criteria provided, multiple submitters, no conflicts (2 of 4 stars). 3 submissions from 3 submitters: Benign (1); Likely benign (2). Last evaluated 2026-02-01.

Allele frequency attached by ClinVar (database versions not stated): gnomAD exomes 0.00092 and 0.00218; ExAC 0.00274; gnomAD 0.00933 and 0.01006; ESP Exome Variant Server 0.00981; TOPMed 0.01017; 1000 Genomes Project 0.01018; 1000 Genomes Project 30x 0.01156.
gnomAD v4.1: 2,789 of 1,613,692 alleles (0.17%); highest among the groups gnomAD compares: African/African-American, 3.3%; 45 homozygotes.

Submissions (3):

Labcorp Genetics (formerly Invitae), Labcorp
Classification: Benign. Last evaluated: 2026-02-01. Review status: criteria provided, single submitter. Criteria: Invitae Variant Classification Sherloc (09022015). Collection method: clinical testing. Allele origin: germline.

GeneDx
Classification: Likely benign. Last evaluated: 2024-07-05. Review status: criteria provided, single submitter. Criteria: GeneDx Variant Classification Process June 2021. Collection method: clinical testing. Allele origin: germline. Affected: yes.
Comment: See Variant Classification Assertion Criteria.

Breakthrough Genomics
Classification: Likely benign. Review status: criteria provided, single submitter. Criteria: ACMG Guidelines, 2015. Collection method: not provided. Allele origin: germline. Inheritance: Unknown mechanism. Affected: yes.

NM_005245.4(FAT1):c.2035G>A (p.Val679Ile)

Gene: FAT1 (FAT atypical cadherin 1; minus strand). Cytogenetic location: 4q35.2.
Variant type: single nucleotide variant.
Coding change: c.2035G>A on transcript NM_005245.4 (MANE Select); coding-DNA position 2035, G replaced by A.
Protein change: p.Val679Ile; replaces valine 679 with isoleucine.
Molecular consequence: missense variant.
Genome position (GRCh38, 1-based): chr4:186,707,793, C>T on the plus strand (G>A on the coding strand, the complement: FAT1 is on the minus strand). VCF-style: chr4-186707793-C-T. GRCh37 (hg19) VCF-style: chr4-187628947-C-T.
Other names: short protein forms V679I.
Identifiers: ClinVar variation 790559 (VCV000790559.15), dbSNP rs61733571, ClinGen allele CA3167334.